The following is an entry in ClinVar:

ClinVar aggregate classification (germline): Uncertain significance (1 of 4 stars; one submission).

Submission:

GeneDx
Classification: Uncertain significance. Last evaluated: 2024-10-10. Review status: criteria provided, single submitter. Criteria: GeneDx Variant Classification Process June 2021. Collection method: clinical testing. Allele origin: germline. Affected: yes.
Comment: Not observed at significant frequency in large population cohorts (gnomAD); In silico analysis supports that this missense variant has a deleterious effect on protein structure/function; Has not been previously published as pathogenic or benign to our knowledge

NM_006267.5(RANBP2):c.141A>T (p.Lys47Asn)

Gene: RANBP2 (RAN binding protein 2; plus strand). Cytogenetic location: 2q13.
Variant type: single nucleotide variant.
Coding change: c.141A>T on transcript NM_006267.5 (MANE Select); coding-DNA position 141, A replaced by T.
Protein change: p.Lys47Asn; replaces lysine 47 with asparagine.
Molecular consequence: missense variant.
Genome position (GRCh38, 1-based): chr2:108,730,774, A>T. VCF-style: chr2-108730774-A-T. GRCh37 (hg19) VCF-style: chr2-109347230-A-T.
Other names: c.141A>T, p.Lys47Asn (NM_001415871.1, NM_001415873.1); c.138A>T, p.Lys46Asn (NM_001415872.1); short protein forms K46N, K47N.
Identifiers: ClinVar variation 3777510 (VCV003777510.1).